The following is an entry in ClinVar:

NM_000264.5(PTCH1):c.3560C>G (p.Ala1187Gly)

Gene: PTCH1 (patched 1; minus strand). Cytogenetic location: 9q22.32.
Variant type: single nucleotide variant.
Coding change: c.3560C>G on transcript NM_000264.5 (MANE Select); coding-DNA position 3560, C replaced by G.
Protein change: p.Ala1187Gly; replaces alanine 1187 with glycine.
Molecular consequence: missense variant. On other transcripts: non-coding transcript variant (1).
Genome position (GRCh38, 1-based): chr9:95,449,313, G>C on the plus strand (C>G on the coding strand, the complement: PTCH1 is on the minus strand). VCF-style: chr9-95449313-G-C. GRCh37 (hg19) VCF-style: chr9-98211595-G-C.
Other names: c.3362C>G, p.Ala1121Gly (NM_001083602.3); c.3557C>G, p.Ala1186Gly (NM_001083603.3); c.3107C>G, p.Ala1036Gly (NM_001083604.3, NM_001083605.3, NM_001083606.3 and 1 more transcripts); c.3404C>G, p.Ala1135Gly (NM_001354918.2); short protein forms A1036G, A1121G, A1135G, A1186G, A1187G.
Identifiers: ClinVar variation 3231018 (VCV003231018.1), dbSNP rs2136602813, ClinGen allele CA374111397.

ClinVar aggregate classification (germline): Uncertain significance (1 of 4 stars; one submission).

Conditions:
Hereditary cancer-predisposing syndrome. Also called: Neoplastic Syndromes, Hereditary; Tumor predisposition; Hereditary neoplastic syndrome; Hereditary Cancer Syndrome. Identifiers: Orphanet 140162, MedGen C0027672, MeSH D009386, MONDO:0015356.

Submission:

Ambry Genetics
Classification: Uncertain significance for Hereditary cancer-predisposing syndrome. Last evaluated: 2023-11-29. Review status: criteria provided, single submitter. Criteria: Ambry Variant Classification Scheme 2023. Collection method: clinical testing. Allele origin: germline.
Comment: The p.A1187G variant (also known as c.3560C>G), located in coding exon 22 of the PTCH1 gene, results from a C to G substitution at nucleotide position 3560. The alanine at codon 1187 is replaced by glycine, an amino acid with similar properties. This amino acid position is conserved. In addition, this alteration is predicted to be tolerated by in silico analysis. Since supporting evidence is limited at this time, the clinical significance of this alteration remains unclear.